The following is an entry in ClinVar:

ClinVar aggregate classification (germline): Uncertain significance. Review status: criteria provided, multiple submitters, no conflicts (2 of 4 stars). 2 submissions from 2 submitters: Uncertain significance (2). Last evaluated 2025-11-26.

Conditions:
Inborn genetic diseases. Identifiers: MedGen C0950123, MeSH D030342.
Lower motor neuron syndrome with late-adult onset (SMAJ). Also called: Spinal muscular atrophy, Jokela type; Late-Onset Spinal Motor Neuronopathy (SMAJ). Identifiers: Orphanet 276435, MedGen C3554398, MONDO:0014025, OMIM 615048.
Frontotemporal dementia and/or amyotrophic lateral sclerosis 2. Also called: FTDALS2. Identifiers: Orphanet 275872, MedGen C4014648, MONDO:0014395, OMIM 615911.
Autosomal dominant mitochondrial myopathy with exercise intolerance (IMMD). Also called: Myopathy, isolated mitochondrial, autosomal dominant. Identifiers: Orphanet 457050, MedGen C4015513, MONDO:0014532, OMIM 616209.

Allele frequency attached by ClinVar (database versions not stated): gnomAD 0.00001; gnomAD exomes 0.00002.
gnomAD v4.1: 20 of 1,369,336 alleles (0.0015%); highest among the groups gnomAD compares: Non-Finnish European, 0.0018%; no homozygotes.

Submissions (2):

Ambry Genetics
Classification: Uncertain significance for Inborn genetic diseases. Last evaluated: 2025-11-26. Review status: criteria provided, single submitter. Criteria: Ambry Variant Classification Scheme 2023. Collection method: clinical testing. Allele origin: germline.

Labcorp Genetics (formerly Invitae), Labcorp
Classification: Uncertain significance for Lower motor neuron syndrome with late-adult onset; Frontotemporal dementia and/or amyotrophic lateral sclerosis 2; Autosomal dominant mitochondrial myopathy with exercise intolerance. Last evaluated: 2023-10-29. Review status: criteria provided, single submitter. Criteria: Invitae Variant Classification Sherloc (09022015). Collection method: clinical testing. Allele origin: germline.
Comment: This sequence change replaces alanine, which is neutral and non-polar, with threonine, which is neutral and polar, at codon 35 of the CHCHD10 protein (p.Ala35Thr). The frequency data for this variant in the population databases is considered unreliable, as metrics indicate poor data quality at this position in the gnomAD database. This variant has not been reported in the literature in individuals affected with CHCHD10-related conditions. ClinVar contains an entry for this variant (Variation ID: 2416993). Experimental studies and prediction algorithms are not available or were not evaluated, and the functional significance of this variant is currently unknown. In summary, the available evidence is currently insufficient to determine the role of this variant in disease. Therefore, it has been classified as a Variant of Uncertain Significance.

NM_213720.3(CHCHD10):c.103G>A (p.Ala35Thr)

Gene: CHCHD10 (coiled-coil-helix-coiled-coil-helix domain containing 10; minus strand). Cytogenetic location: 22q11.23.
Variant type: single nucleotide variant.
Coding change: c.103G>A on transcript NM_213720.3 (MANE Select); coding-DNA position 103, G replaced by A.
Protein change: p.Ala35Thr; replaces alanine 35 with threonine.
Molecular consequence: missense variant. On other transcripts: non-coding transcript variant (1).
Genome position (GRCh38, 1-based): chr22:23,767,532, C>T on the plus strand (G>A on the coding strand, the complement: CHCHD10 is on the minus strand). VCF-style: chr22-23767532-C-T. GRCh37 (hg19) VCF-style: chr22-24109719-C-T.
Other names: c.103G>A (NM_213720.1); c.103G>A, p.Ala35Thr (NM_001301339.2); short protein forms A35T.
Identifiers: ClinVar variation 2416993 (VCV002416993.7), dbSNP rs762943183, ClinGen allele CA10145314.